The following is an entry in ClinVar:

ClinVar aggregate classification (germline): Benign (1 of 4 stars; one submission).

Conditions:
Fabry disease. Also called: ALPHA-GALACTOSIDASE A DEFICIENCY; ANDERSON-FABRY DISEASE; CERAMIDE TRIHEXOSIDASE DEFICIENCY; GLA DEFICIENCY; HEREDITARY DYSTOPIC LIPIDOSIS; Angiokeratoma corporis diffusum. Identifiers: Orphanet 324, MedGen C0002986, MONDO:0010526, OMIM 301500, HP:0001071. Disease mechanism: Fabry disease is due to inactivating mutations in the X-linked GLA gene resulting in deficiency of the enzyme Alpha Galactosidase-A., loss of function.

gnomAD v4.1: 24,933 of 365,713 alleles (6.8%); highest among the groups gnomAD compares: African/African-American, 28%; 1,530 homozygotes.

Submission:

Genomenon, Inc
Classification: Benign for Fabry disease. Last evaluated: 2026-09-08. Review status: criteria provided, single submitter. Criteria: Genomenon Sequence Variant Interpretation Standards - Updated. Collection method: curation. Allele origin: germline. Affected: no.
Comment: GLA c.548-125C>G is an intronic variant located in intron 3. This variant is present at high allele frequency in population databases. We classify GLA c.548-125C>G as a benign variant.

NM_000169.3(GLA):c.548-125C>G

Genes: GLA (galactosidase alpha; minus strand), RPL36A-HNRNPH2 (RPL36A-HNRNPH2 readthrough; plus strand). Cytogenetic location: Xq22.1.
Variant type: single nucleotide variant.
Coding change: c.548-125C>G on transcript NM_000169.3 (MANE Select); 125 bases into the intron before coding-DNA position 548, C replaced by G.
Molecular consequence: intron variant. On other transcripts: 3 prime UTR variant (1).
Genome position (GRCh38, 1-based): chrX:101,400,882, G>C on the plus strand (C>G on the coding strand, the complement: GLA is on the minus strand). VCF-style: chrX-101400882-G-C. GRCh37 (hg19) VCF-style: chrX-100655870-G-C.
Other names: c.*661C>G (NM_001406749.1); c.300+5425G>C (NM_001199973.2); c.177+9060G>C (NM_001199974.2); c.671-125C>G (NM_001406747.1); c.548-125C>G (NM_001406748.1).
Identifiers: ClinVar variation 4087111 (VCV004087111.2), dbSNP rs2071396.